The following is an entry in ClinVar:

NM_000199.5(SGSH):c.642del (p.Tyr215fs)

Gene: SGSH (N-sulfoglucosamine sulfohydrolase; minus strand). Cytogenetic location: 17q25.3.
Variant type: Deletion.
Coding change: c.642del on transcript NM_000199.5 (MANE Select); coding-DNA position 642, one base deleted (C; older notation c.642delC).
Protein change: p.Tyr215fs; shifts the reading frame from tyrosine 215.
Molecular consequence: frameshift variant. On other transcripts: non-coding transcript variant (1).
Genome position (GRCh38, 1-based): chr17:80,214,193, G deleted on the plus strand (C on the coding strand, the reverse complement: SGSH is on the minus strand); the first of 2 consecutive G bases (chr17:80,214,193-80,214,194); deleting either gives the same sequence. VCF-style (leftmost placement, unchanged base first): chr17-80214192-AG-A. GRCh37 (hg19) VCF-style: chr17-78187991-AG-A.
Other names: c.642del, p.Tyr215fs (NM_001352921.3, NM_001352922.2); short protein forms Y215fs.
Identifiers: ClinVar variation 1076318 (VCV001076318.7), dbSNP rs2144742222, ClinGen allele CA2499225024.
Genomic context (GRCh38, chr17:80,214,192, plus strand): 5'-GGCTGACGGGCGTCCTGAAACACAGGAGGGGCCGTCCTACCAGCACGTCCAGTGGGTCGT[AG>A]GCCTGGGGGGTCCAGTCTGGGATACGACCCATGCCGCTCTCTCCGTTGCCAAACTTCTCA-3'

ClinVar aggregate classification (germline): Pathogenic (1 of 4 stars; one submission).

Conditions:
Mucopolysaccharidosis, MPS-III-A (MPS3A). Also called: MPS III A; Mucopolysaccharidosis type IIIA (Sanfilippo A); HEPARAN SULFATE SULFATASE DEFICIENCY; SANFILIPPO SYNDROME A; SULFAMIDASE DEFICIENCY; Mucopolysaccharidosis, type IIIA. Identifiers: Orphanet 581, Orphanet 79269, MedGen C0086647, MONDO:0009655, OMIM 252900.

Submission:

Labcorp Genetics (formerly Invitae), Labcorp
Classification: Pathogenic for Mucopolysaccharidosis, MPS-III-A. Last evaluated: 2020-08-14. Review status: criteria provided, single submitter. Criteria: Invitae Variant Classification Sherloc (09022015). Collection method: clinical testing. Allele origin: germline.
Comment: This variant is not present in population databases (ExAC no frequency). This sequence change creates a premature translational stop signal (p.Tyr215Thrfs*49) in the SGSH gene. It is expected to result in an absent or disrupted protein product. For these reasons, this variant has been classified as Pathogenic. Loss-of-function variants in SGSH are known to be pathogenic (PMID: 11182930, 21204211, 22976768). This variant has not been reported in the literature in individuals with SGSH-related conditions.

Literature cited by the submitters: PubMed 11182930; PubMed 21204211; PubMed 22976768.